The following is an entry in ClinVar:

NM_000179.3(MSH6):c.1259del (p.Asn420fs)

Gene: MSH6 (mutS homolog 6; plus strand). Cytogenetic location: 2p16.3.
Variant type: Deletion.
Coding change: c.1259del on transcript NM_000179.3 (MANE Select); coding-DNA position 1259, one base deleted (A; older notation c.1259delA).
Protein change: p.Asn420fs; shifts the reading frame from asparagine 420.
Molecular consequence: frameshift variant.
Genome position (GRCh38, 1-based): chr2:47,799,242, A deleted; the last of 2 consecutive A bases (chr2:47,799,241-47,799,242); deleting either gives the same sequence. VCF-style (leftmost placement, unchanged base first): chr2-47799240-GA-G. GRCh37 (hg19) VCF-style: chr2-48026379-GA-G.
Other names: c.869del, p.Asn290fs (NM_001281492.2); c.353del, p.Asn118fs (NM_001281493.2, NM_001281494.2); c.1355delA, p.Asn452Thrfs (NM_001406795.1, NM_001406802.1); c.1259delA, p.Asn420Thrfs (NM_001406796.1, NM_001406798.1, NM_001406800.1 and 4 more transcripts); c.962delA, p.Asn321Thrfs (NM_001406797.1, NM_001406801.1, NM_001406805.1 and 10 more transcripts); c.734delA, p.Asn245Thrfs (NM_001406799.1, NM_001406806.1, NM_001406807.1); c.1181delA, p.Asn394Thrfs (NM_001406804.1); c.353delA, p.Asn118Thrfs (NM_001406811.1, NM_001406812.1, NM_001406814.1 and 4 more transcripts); and 2 more; short protein forms N118fs, N420fs, N290fs.
Identifiers: ClinVar variation 1762561 (VCV001762561.2), dbSNP rs2530599670, ClinGen allele CA2580067537.

ClinVar aggregate classification (germline): Pathogenic (1 of 4 stars; one submission).

Conditions:
Hereditary cancer-predisposing syndrome. Also called: Neoplastic Syndromes, Hereditary; Tumor predisposition; Hereditary Cancer Syndrome; Hereditary neoplastic syndrome. Identifiers: Orphanet 140162, MedGen C0027672, MeSH D009386, MONDO:0015356.

Submission:

Ambry Genetics
Classification: Pathogenic for Hereditary cancer-predisposing syndrome. Last evaluated: 2021-11-09. Review status: criteria provided, single submitter. Criteria: Ambry Variant Classification Scheme 2023. Collection method: clinical testing. Allele origin: germline.
Comment: The c.1259delA pathogenic mutation, located in coding exon 4 of the MSH6 gene, results from a deletion of one nucleotide at nucleotide position 1259, causing a translational frameshift with a predicted alternate stop codon (p.N420Tfs*33). This alteration is expected to result in loss of function by premature protein truncation or nonsense-mediated mRNA decay. As such, this alteration is interpreted as a disease-causing mutation.